The following is an entry in ClinVar:

NM_001127511.3(APC):c.165+20769G>T

Gene: APC (APC regulator of Wnt signaling pathway; plus strand). Cytogenetic location: 5q22.2.
Variant type: single nucleotide variant.
Coding change: c.165+20769G>T on transcript NM_001127511.3; 20769 bases into the intron after coding-DNA position 165, G replaced by T.
Molecular consequence: intron variant.
Genome position (GRCh38, 1-based): chr5:112,728,651, G>T. VCF-style: chr5-112728651-G-T. GRCh37 (hg19) VCF-style: chr5-112064348-G-T.
Other names: c.-1054+20769G>T (NM_001407470.1, NM_001407472.1); c.-19+20769G>T (NM_001407447.1, NM_001354895.2, NM_001407456.1 and 3 more transcripts); c.165+20769G>T (NM_001407446.1, NM_001354897.2, NM_001354902.2); c.-19+21002G>T (NM_001407448.1, NM_001407450.1, NM_001407457.1 and 1 more transcripts); c.-43+21002G>T (NM_001407453.1).
Identifiers: ClinVar variation 82708 (VCV000082708.4), dbSNP rs77273330, ClinGen allele CA023509.
Genomic context (GRCh38, chr5:112,728,651, plus strand): 5'-TTTCTAAATCTTTTGTTAATTGGGTAAAATGGTTGCCAGAGGTGATTGTGTTTTTTTTTT[G>T]TTTTGTCAACATCATAGAATTTATAAACTTTTTTATAAAGAGTATGACTTAGTTTTTTTT-3'

ClinVar aggregate classification (germline): other (0 of 4 stars; one submission).

Conditions:
Familial colorectal cancer. Identifiers: MedGen CN280943, MONDO:0023113. Disease mechanism: loss of function.

Submission:

Systems Biology Platform Zhejiang California International NanoSystems Institute
Classification: other for Familial colorectal cancer. Review status: no assertion criteria provided. Collection method: not provided. Allele origin: unknown.
ClinVar note: Converted during submission from cancer to other.